The following is an entry in ClinVar:

ClinVar aggregate classification (germline): Uncertain significance (1 of 4 stars; one submission).

gnomAD v4.1: 7 of 1,597,646 alleles (0.00044%); highest among the groups gnomAD compares: East Asian, 0.0022%; no homozygotes.

Submission:

Labcorp Genetics (formerly Invitae), Labcorp
Classification: Uncertain significance. Last evaluated: 2024-07-15. Review status: criteria provided, single submitter. Criteria: Invitae Variant Classification Sherloc (09022015). Collection method: clinical testing. Allele origin: germline.
Comment: This sequence change replaces glutamic acid, which is acidic and polar, with lysine, which is basic and polar, at codon 82 of the PLD3 protein (p.Glu82Lys). The frequency data for this variant in the population databases is considered unreliable, as metrics indicate poor data quality at this position in the gnomAD database. This variant has not been reported in the literature in individuals affected with PLD3-related conditions. An algorithm developed to predict the effect of missense changes on protein structure and function (PolyPhen-2) suggests that this variant is likely to be tolerated. In summary, the available evidence is currently insufficient to determine the role of this variant in disease. Therefore, it has been classified as a Variant of Uncertain Significance.

NM_012268.4(PLD3):c.244G>A (p.Glu82Lys)

Gene: PLD3 (phospholipase D family member 3; plus strand). Cytogenetic location: 19q13.2.
Variant type: single nucleotide variant.
Coding change: c.244G>A on transcript NM_012268.4 (MANE Select); coding-DNA position 244, G replaced by A.
Protein change: p.Glu82Lys; replaces glutamic acid 82 with lysine.
Molecular consequence: missense variant.
Genome position (GRCh38, 1-based): chr19:40,366,914, G>A. VCF-style: chr19-40366914-G-A. GRCh37 (hg19) VCF-style: chr19-40872821-G-A.
Other names: c.244G>A, p.Glu82Lys (NM_001291311.2, NM_001031696.4); short protein forms E82K.
Identifiers: ClinVar variation 3609462 (VCV003609462.2).